The following is an entry in ClinVar:

NM_001113378.2(FANCI):c.756-134T>G

Gene: FANCI (FA complementation group I; plus strand). Cytogenetic location: 15q26.1.
Variant type: single nucleotide variant.
Coding change: c.756-134T>G on transcript NM_001113378.2 (MANE Select); 134 bases into the intron before coding-DNA position 756, T replaced by G.
Molecular consequence: intron variant.
Genome position (GRCh38, 1-based): chr15:89,268,265, T>G. VCF-style: chr15-89268265-T-G. GRCh37 (hg19) VCF-style: chr15-89811496-T-G.
Other names: c.756-134T>G (NM_018193.3, NM_001376911.1); c.477-134T>G (NM_001376910.1).
Identifiers: ClinVar variation 1804585 (VCV001804585.1), dbSNP rs114708880, ClinGen allele CA274547735.

ClinVar aggregate classification (germline): Likely benign (1 of 4 stars; one submission).

Allele frequency attached by ClinVar (database versions not stated): gnomAD exomes 0.00028; gnomAD 0.00269; 1000 Genomes Project 0.00280; TOPMed 0.00285; 1000 Genomes Project 30x 0.00297.

Submission:

GeneDx
Classification: Likely benign. Last evaluated: 2019-03-09. Review status: criteria provided, single submitter. Criteria: GeneDx Variant Classification Process June 2021. Collection method: clinical testing. Allele origin: germline. Affected: yes.
Comment: See Variant Classification Assertion Criteria.